The following is an entry in ClinVar:

ClinVar aggregate classification (germline): Pathogenic (1 of 4 stars; one submission).

Submission:

Mayo Clinic Laboratories, Mayo Clinic
Classification: Pathogenic. Last evaluated: 2020-07-23. Review status: criteria provided, single submitter. Criteria: ACMG Guidelines, 2015. Collection method: clinical testing. Allele origin: germline. Observed: 1 variant allele.
Comment: PVS1, PM2, PM6

Literature cited by the submitters: PubMed 31098894.

NM_000138.5(FBN1):c.3127A>T (p.Lys1043Ter)

Gene: FBN1 (fibrillin 1; minus strand). Cytogenetic location: 15q21.1.
Variant type: single nucleotide variant.
Coding change: c.3127A>T on transcript NM_000138.5 (MANE Select); coding-DNA position 3127, A replaced by T.
Protein change: p.Lys1043Ter; replaces lysine 1043 with a stop codon.
Molecular consequence: nonsense.
Genome position (GRCh38, 1-based): chr15:48,488,449, T>A on the plus strand (A>T on the coding strand, the complement: FBN1 is on the minus strand). VCF-style: chr15-48488449-T-A. GRCh37 (hg19) VCF-style: chr15-48780646-T-A.
Other names: short protein forms K1043*.
Identifiers: ClinVar variation 1163972 (VCV001163972.5), dbSNP rs2141295258, ClinGen allele CA392328146.